The following is an entry in ClinVar:

ClinVar aggregate classification (germline): Likely pathogenic (1 of 4 stars; one submission).

Conditions:
Spastic ataxia 2. Also called: Ataxia, spastic, 2, autosomal recessive. Identifiers: Orphanet 397946, MedGen C1969796, MONDO:0012651, OMIM 611302.

Submission:

Variantyx, Inc.
Classification: Likely pathogenic for Spastic ataxia 2. Last evaluated: 2025-06-25. Review status: criteria provided, single submitter. Criteria: Variantyx Assertion Criteria 2022. Collection method: clinical testing. Allele origin: germline. Inheritance: Autosomal recessive inheritance.
Comment: This is a frameshift variant in the KIF1C gene (OMIM: 603060). Pathogenic variants in this gene have been associated with autosomal recessive spastic ataxia 2. This variant introduces a premature termination codon in exon 9 out of 23 and is expected to result in loss of function, which is a known disease mechanism for KIF1C in this disorder (PVS1) (PMID:24319291;24482476). This variant is absent from control populations (PM2), and it has not been reported in individuals with KIF1C-related disorders in the databases available for review. Based on the current evidence, this variant is classified as likely pathogenic for autosomal recessive spastic ataxia 2.

Literature cited by the submitters: PubMed 24319291; PubMed 24482476.

NM_006612.6(KIF1C):c.762_763dup (p.Ala255fs)

Genes: KIF1C (kinesin family member 1C; plus strand), LOC126862472 (CDK7 strongly-dependent group 2 enhancer GRCh37_chr17:4906716-4907915; plus strand). Cytogenetic location: 17p13.2.
Variant type: Duplication.
Coding change: c.762_763dup on transcript NM_006612.6 (MANE Select); coding-DNA positions 762 to 763, 2 bases duplicated (AG; older notation c.762_763dupAG).
Protein change: p.Ala255fs; shifts the reading frame from alanine 255.
Molecular consequence: frameshift variant.
Genome position (GRCh38, 1-based): chr17:5,003,653-5,003,654, AG duplicated; duplicating any 2 consecutive bases within chr17:5,003,652-5,003,654 gives the same sequence; the c. name uses the placement nearest the transcript's 3' end. VCF-style (leftmost placement, unchanged base first): chr17-5003651-C-CGA. GRCh37 (hg19) VCF-style: chr17-4906946-C-CGA.
Other names: short protein forms A255fs.
Identifiers: ClinVar variation 4850711 (VCV004850711.1).